The following is an entry in ClinVar:

ClinVar aggregate classification (germline): Uncertain significance (1 of 4 stars; one submission).

Submission:

GeneDx
Classification: Uncertain significance. Last evaluated: 2023-12-12. Review status: criteria provided, single submitter. Criteria: GeneDx Variant Classification Process June 2021. Collection method: clinical testing. Allele origin: germline. Affected: yes.
Comment: Not observed at significant frequency in large population cohorts (gnomAD); In silico analysis supports that this missense variant does not alter protein structure/function; Has not been previously published as pathogenic or benign to our knowledge

NM_015178.3(RHOBTB2):c.607G>T (p.Ala203Ser)

Gene: RHOBTB2 (Rho related BTB domain containing 2; plus strand). Cytogenetic location: 8p21.3.
Variant type: single nucleotide variant.
Coding change: c.607G>T on transcript NM_015178.3 (MANE Select); coding-DNA position 607, G replaced by T.
Protein change: p.Ala203Ser; replaces alanine 203 with serine.
Molecular consequence: missense variant.
Genome position (GRCh38, 1-based): chr8:23,006,852, G>T. VCF-style: chr8-23006852-G-T. GRCh37 (hg19) VCF-style: chr8-22864365-G-T.
Other names: c.673G>T, p.Ala225Ser (NM_001160036.2); c.628G>T, p.Ala210Ser (NM_001160037.2); c.607G>T, p.Ala203Ser (NM_001374791.1); short protein forms A203S, A210S, A225S.
Identifiers: ClinVar variation 3253460 (VCV003253460.1), dbSNP rs1331457758.